The following is an entry in ClinVar:

ClinVar aggregate classification (germline): Uncertain significance. Review status: criteria provided, multiple submitters, no conflicts (2 of 4 stars). 2 submissions from 2 submitters: Uncertain significance (2). Last evaluated 2025-05-19.

Submissions (2):

Ambry Genetics
Classification: Uncertain significance. Last evaluated: 2025-05-19. Review status: criteria provided, single submitter. Criteria: Ambry Variant Classification Scheme 2023. Collection method: clinical testing. Allele origin: germline.

Labcorp Genetics (formerly Invitae), Labcorp
Classification: Uncertain significance. Last evaluated: 2025-01-08. Review status: criteria provided, single submitter. Criteria: Invitae Variant Classification Sherloc (09022015). Collection method: clinical testing. Allele origin: germline.
Comment: This sequence change replaces histidine, which is basic and polar, with glutamine, which is neutral and polar, at codon 546 of the FZD2 protein (p.His546Gln). This variant is present in population databases (no rsID available, gnomAD 0.003%). This variant has not been reported in the literature in individuals affected with FZD2-related conditions. Invitae Evidence Modeling of protein sequence and biophysical properties (such as structural, functional, and spatial information, amino acid conservation, physicochemical variation, residue mobility, and thermodynamic stability) indicates that this missense variant is not expected to disrupt FZD2 protein function with a negative predictive value of 80%. In summary, the available evidence is currently insufficient to determine the role of this variant in disease. Therefore, it has been classified as a Variant of Uncertain Significance.

NM_001466.4(FZD2):c.1638C>G (p.His546Gln)

Gene: FZD2 (frizzled class receptor 2; plus strand). Cytogenetic location: 17q21.31.
Variant type: single nucleotide variant.
Coding change: c.1638C>G on transcript NM_001466.4 (MANE Select); coding-DNA position 1638, C replaced by G.
Protein change: p.His546Gln; replaces histidine 546 with glutamine.
Molecular consequence: missense variant.
Genome position (GRCh38, 1-based): chr17:44,559,326, C>G. VCF-style: chr17-44559326-C-G. GRCh37 (hg19) VCF-style: chr17-42636694-C-G.
Other names: c.1638C>G (NM_001466.3); short protein forms H546Q.
Identifiers: ClinVar variation 3617912 (VCV003617912.3).